The following is an entry in ClinVar:

ClinVar aggregate classification (germline): Pathogenic (1 of 4 stars; one submission).

Conditions:
Spongy degeneration of central nervous system. Also called: ACY2 DEFICIENCY; AMINOACYLASE 2 DEFICIENCY; ASP DEFICIENCY; ASPA DEFICIENCY; ASPARTOACYLASE DEFICIENCY; CANAVAN-VAN BOGAERT-BERTRAND DISEASE. Identifiers: Orphanet 141, MedGen C0206307, MONDO:0010079, OMIM 271900.

Submission:

Myriad Genetics, Inc.
Classification: Pathogenic for Spongy degeneration of central nervous system. Last evaluated: 2026-05-26. Review status: criteria provided, single submitter. Criteria: Myriad Autosomal Dominant, Autosomal Recessive and X-Linked Classification Criteria (2023). Collection method: clinical testing. Allele origin: unknown.
Comment: NM_000049.2(ASPA):c.867C>G(Y289*) is a nonsense variant classified as pathogenic in the context of Canavan disease. Y289* has not been observed in cases with relevant disease. Relevant functional assessments of this variant are not available in the literature. Y289* has not been observed in referenced population frequency databases. In summary, NM_000049.2(ASPA):c.867C>G(Y289*) is a nonsense variant in a gene where loss of function is a known mechanism of disease and is predicted to disrupt protein function. Please note: this variant was assessed in the context of healthy population screening.

NM_000049.4(ASPA):c.867C>G (p.Tyr289Ter)

Genes: ASPA (aspartoacylase; plus strand), SPATA22 (spermatogenesis associated 22; minus strand). Cytogenetic location: 17p13.2.
Variant type: single nucleotide variant.
Coding change: c.867C>G on transcript NM_000049.4 (MANE Select); coding-DNA position 867, C replaced by G.
Protein change: p.Tyr289Ter; replaces tyrosine 289 with a stop codon.
Molecular consequence: nonsense. On other transcripts: intron variant (2).
Genome position (GRCh38, 1-based): chr17:3,499,013, C>G. VCF-style: chr17-3499013-C-G. GRCh37 (hg19) VCF-style: chr17-3402307-C-G.
Other names: c.867C>G, p.Tyr289Ter (NM_001128085.1); c.-74+14399G>C (NM_001321336.2, NM_001321337.2); short protein forms Y289*.
Identifiers: ClinVar variation 5003904 (VCV005003904.1).